The following is an entry in ClinVar:

ClinVar aggregate classification (germline): Uncertain significance. Review status: criteria provided, multiple submitters, no conflicts (2 of 4 stars). 2 submissions from 2 submitters: Uncertain significance (2). Last evaluated 2023-10-01.

Conditions:
Hydatidiform mole, recurrent, 1 (HYDM1). Identifiers: Orphanet 254688, Orphanet 99927, MedGen C3463897, MONDO:0009273, OMIM 231090. Disease mechanism: loss of function.

Allele frequency attached by ClinVar (database versions not stated): TOPMed below 0.00001; gnomAD 0.00001; gnomAD exomes 0.00003 and 0.00008; ExAC 0.00012; 1000 Genomes Project 30x 0.00016; 1000 Genomes Project 0.00020.
gnomAD v4.1: 49 of 1,614,174 alleles (0.003%); highest among the groups gnomAD compares: South Asian, 0.045%; no homozygotes.

Submissions (2):

CeGaT Center for Human Genetics Tuebingen
Classification: Uncertain significance. Last evaluated: 2023-10-01. Review status: criteria provided, single submitter. Criteria: CeGaT Center For Human Genetics Tuebingen Variant Classification Criteria Version 2. Collection method: clinical testing. Allele origin: germline. Affected: yes. Observed: 1 variant allele.
Comment: NLRP7: PM2, BP4

Illumina Laboratory Services, Illumina
Classification: Uncertain significance for Hydatidiform mole, recurrent, 1. Last evaluated: 2018-01-12. Review status: criteria provided, single submitter. Criteria: ICSL Variant Classification Criteria 13 December 2019. Collection method: clinical testing. Allele origin: germline.

NM_001127255.2(NLRP7):c.2420T>G (p.Met807Arg)

Genes: NCR1 (natural cytotoxicity triggering receptor 1), NLRP7 (NLR family pyrin domain containing 7; minus strand). Cytogenetic location: 19q13.42.
Variant type: single nucleotide variant.
Coding change: c.2420T>G on transcript NM_001127255.2 (MANE Select); coding-DNA position 2420, T replaced by G.
Protein change: p.Met807Arg; replaces methionine 807 with arginine.
Molecular consequence: missense variant.
Genome position (GRCh38, 1-based): chr19:54,934,540, A>C on the plus strand (T>G on the coding strand, the complement: NLRP7 is on the minus strand). VCF-style: chr19-54934540-A-C. GRCh37 (hg19) VCF-style: chr19-55445908-A-C.
Other names: c.2420T>G, p.Met807Arg (NM_001405531.1, NM_206828.4); c.2336T>G, p.Met779Arg (NM_139176.4); short protein forms M779R, M807R.
Identifiers: ClinVar variation 894774 (VCV000894774.30), dbSNP rs371671539, ClinGen allele CA310011213.